The following is an entry in ClinVar:

ClinVar aggregate classification (germline): Conflicting classifications of pathogenicity. Review status: criteria provided, conflicting classifications (1 of 4 stars). 3 submissions from 3 submitters: Uncertain significance (2); Likely benign (1). Last evaluated 2024-08-19.

Conditions:
CHARGE syndrome (CHARGE). Also called: Hittner Hirsch Kreh syndrome; CHARGE ASSOCIATION--COLOBOMA, HEART ANOMALY, CHOANAL ATRESIA, RETARDATION, GENITAL AND EAR ANOMALIES; Coloboma, heart anomaly, choanal atresia, retardation, genital and ear anomalies; CHARGE association; Hall-Hittner syndrome. Identifiers: Orphanet 138, MedGen C0265354, MONDO:0008965.
Hypogonadotropic hypogonadism 5 with or without anosmia (KAL5). Also called: CHD7-Related GnRH Deficiency (Kallmann Syndrome 5); HYPOGONADOTROPIC HYPOGONADISM 5 WITH ANOSMIA; HYPOGONADOTROPHIC HYPOGONADISM 5 WITHOUT ANOSMIA. Identifiers: Orphanet 478, MedGen C3552553, MONDO:0012880, OMIM 612370. Disease mechanism: loss of function.

Allele frequency attached by ClinVar (database versions not stated): TOPMed below 0.00001; gnomAD 0.00001.
gnomAD v4.1: 3 of 1,612,680 alleles (0.00019%); highest among the groups gnomAD compares: African/African-American, 0.0013%; no homozygotes.

Submissions (3):

Labcorp Genetics (formerly Invitae), Labcorp
Classification: Likely benign for CHARGE syndrome. Last evaluated: 2024-08-19. Review status: criteria provided, single submitter. Criteria: Invitae Variant Classification Sherloc (09022015). Collection method: clinical testing. Allele origin: germline.

Fulgent Genetics
Classification: Uncertain significance for CHD7-related CHARGE syndrome; Hypogonadotropic hypogonadism 5 with or without anosmia. Last evaluated: 2024-05-30. Review status: criteria provided, single submitter. Criteria: ACMG Guidelines, 2015. Collection method: clinical testing. Allele origin: germline.

GeneDx
Classification: Uncertain significance. Last evaluated: 2022-10-05. Review status: criteria provided, single submitter. Criteria: GeneDx Variant Classification Process June 2021. Collection method: clinical testing. Allele origin: germline. Affected: yes.
Comment: Not observed at significant frequency in large population cohorts (gnomAD); In silico analysis supports that this missense variant does not alter protein structure/function; Has not been previously published as pathogenic or benign to our knowledge

NM_017780.4(CHD7):c.2107C>A (p.Pro703Thr)

Gene: CHD7 (chromodomain helicase DNA binding protein 7; plus strand). Cytogenetic location: 8q12.2.
Variant type: single nucleotide variant.
Coding change: c.2107C>A on transcript NM_017780.4 (MANE Select); coding-DNA position 2107, C replaced by A.
Protein change: p.Pro703Thr; replaces proline 703 with threonine.
Molecular consequence: missense variant. On other transcripts: intron variant (1).
Genome position (GRCh38, 1-based): chr8:60,794,996, C>A. VCF-style: chr8-60794996-C-A. GRCh37 (hg19) VCF-style: chr8-61707555-C-A.
Other names: c.1716+13946C>A (NM_001316690.1); short protein forms P703T.
Identifiers: ClinVar variation 2497753 (VCV002497753.4), dbSNP rs1278614167, ClinGen allele CA371295580.
Genomic context (GRCh38, chr8:60,794,996, plus strand): 5'-TGCAGAAACACATTAAAAGTGAACACTAAGCGATCCACTTTGAATTCTAGTAATAAGAAA[C>A]CTGACTCAGAAGCAAGTGCTTTGAAGAAAAAGGTCAACAAGGGAAAAACAGAAGGTTCTG-3'
Protein context (NP_060250.2, residues 693-713): KSSKKSSNKK[Pro703Thr]DSEASALKKK